The following is an entry in ClinVar:

NM_000540.3(RYR1):c.14110C>T (p.Arg4704Ter)

Gene: RYR1 (ryanodine receptor 1; plus strand). Cytogenetic location: 19q13.2.
Variant type: single nucleotide variant.
Coding change: c.14110C>T on transcript NM_000540.3 (MANE Select); coding-DNA position 14110, C replaced by T.
Protein change: p.Arg4704Ter; replaces arginine 4704 with a stop codon.
Molecular consequence: nonsense.
Genome position (GRCh38, 1-based): chr19:38,573,288, C>T. VCF-style: chr19-38573288-C-T. GRCh37 (hg19) VCF-style: chr19-39063928-C-T.
Other names: c.14095C>T, p.Arg4699Ter (NM_001042723.2); short protein forms R4699*, R4704*.
Identifiers: ClinVar variation 849189 (VCV000849189.9), dbSNP rs1568595930, ClinGen allele CA405682568.
Genomic context (GRCh38, chr19:38,573,288, plus strand): 5'-TTTGATGGCCTGTACATCACGGAGCAGCCTGAGGACGATGACGTGAAGGGGCAGTGGGAC[C>T]GACTGGTGCTCAACACGCCGTAAGGACCCAGCCCCCACCTCAGGGTGGCAGCAGGAGGGG-3'

ClinVar aggregate classification (germline): Pathogenic (1 of 4 stars; one submission).

Conditions:
RYR1-related disorder. Also called: RYR1-related disorders; RYR1-related condition. Identifiers: MedGen CN239331.

Allele frequency attached by ClinVar (database versions not stated): gnomAD exomes 0.00001.
gnomAD v4.1: 5 of 1,613,694 alleles (0.00031%); highest among the groups gnomAD compares: African/African-American, 0.0013%; no homozygotes.

Submission:

Labcorp Genetics (formerly Invitae), Labcorp
Classification: Pathogenic for RYR1-related disorder. Last evaluated: 2022-02-03. Review status: criteria provided, single submitter. Criteria: Invitae Variant Classification Sherloc (09022015). Collection method: clinical testing. Allele origin: germline.
Comment: This sequence change creates a premature translational stop signal (p.Arg4704*) in the RYR1 gene. It is expected to result in an absent or disrupted protein product. Loss-of-function variants in RYR1 are known to be pathogenic (PMID: 20583297, 20839240, 23919265, 28818389). This variant is not present in population databases (gnomAD no frequency). For these reasons, this variant has been classified as Pathogenic. ClinVar contains an entry for this variant (Variation ID: 849189). This variant has not been reported in the literature in individuals affected with RYR1-related conditions.

Literature cited by the submitters: PubMed 20583297; PubMed 20839240; PubMed 23919265; PubMed 28818389.